The following is an entry in ClinVar:

NM_002691.4(POLD1):c.784G>A (p.Gly262Ser)

Gene: POLD1 (DNA polymerase delta 1, catalytic subunit; plus strand). Cytogenetic location: 19q13.33.
Variant type: single nucleotide variant.
Coding change: c.784G>A on transcript NM_002691.4 (MANE Select); coding-DNA position 784, G replaced by A.
Protein change: p.Gly262Ser; replaces glycine 262 with serine.
Molecular consequence: missense variant. On other transcripts: non-coding transcript variant (1).
Genome position (GRCh38, 1-based): chr19:50,402,479, G>A. VCF-style: chr19-50402479-G-A. GRCh37 (hg19) VCF-style: chr19-50905736-G-A.
Other names: c.784G>A, p.Gly262Ser (NM_001256849.1, NM_001308632.1); c.784G>A (NM_002691.2); short protein forms G262S.
Identifiers: ClinVar variation 239368 (VCV000239368.49), dbSNP rs571623032, ClinGen allele CA9595906.
Genomic context (GRCh38, chr19:50,402,479, plus strand): 5'-GCAGCCCCTGTCCACTGACCCCCAGCCCCCTCCAGGTTCATGGTGGACACGGACATCGTC[G>A]GCTGCAACTGGCTGGAGCTCCCAGCTGGGAAATACGCCCTGAGGCTGAAGGAGAAGGTGC-3'
Protein context (NP_002682.2, residues 252-272): IRFMVDTDIV[Gly262Ser]CNWLELPAGK

ClinVar aggregate classification (germline): Uncertain significance. Review status: criteria provided, multiple submitters, no conflicts (2 of 4 stars). 6 submissions from 6 submitters: Uncertain significance (6). Last evaluated 2026-01-13.

Conditions:
Mandibular hypoplasia-deafness-progeroid syndrome. Also called: Mandibular hypoplasia, deafness, progeroid features, and lipodystrophy syndrome. Identifiers: Orphanet 363649, MedGen C3715192, MONDO:0014157, OMIM 615381.
POLD1-related polyposis and colorectal cancer syndrome (CRCS10). Also called: Colorectal cancer 10; COLORECTAL CANCER, SUSCEPTIBILITY TO, ON CHROMOSOME 19q; Colorectal cancer, susceptibility to, 10. Identifiers: Orphanet 220460, MedGen C2675481, MONDO:0012953, OMIM 612591.
POLD1-related disorder. Also called: POLD1-related condition; POLD1-related disorders.
Hereditary cancer-predisposing syndrome. Also called: Tumor predisposition; Hereditary Cancer Syndrome; Neoplastic Syndromes, Hereditary; Hereditary neoplastic syndrome. Identifiers: Orphanet 140162, MedGen C0027672, MeSH D009386, MONDO:0015356.

Allele frequency attached by ClinVar (database versions not stated): gnomAD exomes 0.00002; TOPMed 0.00002; ExAC 0.00003; gnomAD 0.00003.
gnomAD v4.1: 34 of 1,611,818 alleles (0.0021%); highest among the groups gnomAD compares: Non-Finnish European, 0.0028%; no homozygotes.

Submissions (6):

Labcorp Genetics (formerly Invitae), Labcorp
Classification: Uncertain significance for POLD1-related polyposis and colorectal cancer syndrome. Last evaluated: 2026-01-13. Review status: criteria provided, single submitter. Criteria: Invitae Variant Classification Sherloc (09022015). Collection method: clinical testing. Allele origin: germline.
Comment: This sequence change replaces glycine, which is neutral and non-polar, with serine, which is neutral and polar, at codon 262 of the POLD1 protein (p.Gly262Ser). This variant is present in population databases (rs571623032, gnomAD 0.005%). This variant has not been reported in the literature in individuals affected with POLD1-related conditions. ClinVar contains an entry for this variant (Variation ID: 239368). Invitae Evidence Modeling of protein sequence and biophysical properties (such as structural, functional, and spatial information, amino acid conservation, physicochemical variation, residue mobility, and thermodynamic stability) indicates that this missense variant is not expected to disrupt POLD1 protein function with a negative predictive value of 80%. In summary, the available evidence is currently insufficient to determine the role of this variant in disease. Therefore, it has been classified as a Variant of Uncertain Significance.

Ambry Genetics
Classification: Uncertain significance for Hereditary cancer-predisposing syndrome. Last evaluated: 2024-10-17. Review status: criteria provided, single submitter. Criteria: Ambry Variant Classification Scheme 2023. Collection method: clinical testing. Allele origin: germline.
Comment: The p.G262S variant (also known as c.784G>A), located in coding exon 6 of the POLD1 gene, results from a G to A substitution at nucleotide position 784. The glycine at codon 262 is replaced by serine, an amino acid with similar properties. This amino acid position is highly conserved in available vertebrate species. In addition, the in silico prediction for this alteration is inconclusive. Based on the available evidence, the clinical significance of this variant remains unclear.

GeneDx
Classification: Uncertain significance. Last evaluated: 2024-01-19. Review status: criteria provided, single submitter. Criteria: GeneDx Variant Classification Process June 2021. Collection method: clinical testing. Allele origin: germline. Affected: yes.
Comment: In silico analysis supports that this missense variant has a deleterious effect on protein structure/function; Observed in a cohort of individuals with dyslipidemia and metabolic disorders (PMID: 32041611); This variant is associated with the following publications: (PMID: 32041611)

PreventionGenetics, part of Exact Sciences
Classification: Uncertain significance for POLD1-related condition. Last evaluated: 2023-04-07. Review status: criteria provided, single submitter. Criteria: ACMG Guidelines, 2015. Collection method: clinical testing. Allele origin: germline.
Comment: The POLD1 c.784G>A variant is predicted to result in the amino acid substitution p.Gly262Ser. This variant has been reported in an individual undergoing clinical genetic testing for dyslipidemia and metabolic disorders (Tables S3 and 4; Dron et al 2020. PubMed ID: 32041611). This variant is reported in 0.0054% of alleles in individuals of European (Non-Finnish) descent in gnomAD and is interpreted as uncertain significance. At this time, the clinical significance of this variant is uncertain due to the absence of conclusive functional and genetic evidence.

CeGaT Center for Human Genetics Tuebingen
Classification: Uncertain significance. Last evaluated: 2022-07-01. Review status: criteria provided, single submitter. Criteria: CeGaT Center For Human Genetics Tuebingen Variant Classification Criteria Version 2. Collection method: clinical testing. Allele origin: germline. Affected: yes. Observed: 1 variant allele.
Comment: POLD1: PM2, BP4

Genetic Services Laboratory, University of Chicago
Classification: Uncertain significance. Last evaluated: 2019-12-31. Review status: criteria provided, single submitter. Criteria: ACMG Guidelines, 2015. Collection method: clinical testing. Allele origin: germline. Affected: no.
Comment: DNA sequence analysis of the POLD1 gene demonstrated a sequence change, c.784G>A, in exon 7 that results in an amino acid change, p.Gly262Ser. This sequence change does not appear to have been previously described in patients with POLD1-related disorders and has been described in the gnomAD database with a frequency of 0.005% in European populations (dbSNP rs571623032). The p.Gly262Ser change affects a highly conserved amino acid residue located in a domain of the POLD1 protein that is known to be functional. In-silico pathogenicity prediction tools (SIFT, PolyPhen2, Align GVGD, REVEL) provide contradictory results for the p.Gly262Ser substitution. Due to these contrasting evidences and the lack of functional studies, the clinical significance of the p.Gly262Ser change remains unknown at this time.